The following is an entry in ClinVar:

ClinVar aggregate classification (germline): Likely pathogenic (1 of 4 stars; one submission).

Conditions:
Achondrogenesis, type IA (ACG1A). Identifiers: Orphanet 932, Orphanet 93299, MedGen C0265273, MONDO:0008701, OMIM 200600.
Odontochondrodysplasia 1. Identifiers: Orphanet 166272, MedGen C5542277, MONDO:0100325, OMIM 184260.

Submission:

First Genomix Gene Laboratory, Genetic Diagnostics Department
Classification: Likely pathogenic for Achondrogenesis, type IA; Odontochondrodysplasia 1. Last evaluated: 2025-01-13. Review status: criteria provided, single submitter. Criteria: ACMG Guidelines, 2015. Collection method: clinical testing. Allele origin: germline. Inheritance: Autosomal recessive inheritance. Affected: no. Observed: 1 variant allele.

NM_004239.4(TRIP11):c.2920C>T (p.Gln974Ter)

Gene: TRIP11 (thyroid hormone receptor interactor 11; minus strand). Cytogenetic location: 14q32.12.
Variant type: single nucleotide variant.
Coding change: c.2920C>T on transcript NM_004239.4 (MANE Select); coding-DNA position 2920, C replaced by T.
Protein change: p.Gln974Ter; replaces glutamine 974 with a stop codon.
Molecular consequence: nonsense.
Genome position (GRCh38, 1-based): chr14:92,005,056, G>A on the plus strand (C>T on the coding strand, the complement: TRIP11 is on the minus strand). VCF-style: chr14-92005056-G-A. GRCh37 (hg19) VCF-style: chr14-92471400-G-A.
Other names: c.2917C>T, p.Gln973Ter (NM_001321851.1); short protein forms Q973*, Q974*.
Identifiers: ClinVar variation 4845674 (VCV004845674.1).
Genomic context (GRCh38, chr14:92,005,056, plus strand): 5'-AAATATCAGAGTTATCTGTTTGAATGTCCTGTCTTTCTTCATGCAACTGGGTTTTGATTT[G>A]TTCAATTGTTTTTTGCAAACTCTTAATTTCCTCATCCTTCTCTAAAAAGAGCTGGGTGTG-3'